The following is an entry in ClinVar:

ClinVar aggregate classification (germline): Uncertain significance (1 of 4 stars; one submission).

Conditions:
Combined immunodeficiency due to ZAP70 deficiency (IMD48). Also called: Immunodeficiency 48; ZAP70 Deficiency. Identifiers: Orphanet 911, MedGen C2931299, MONDO:0010023, OMIM 269840.

Allele frequency attached by ClinVar (database versions not stated): gnomAD exomes below 0.00001.
gnomAD v4.1: 3 of 1,613,820 alleles (0.00019%); highest among the groups gnomAD compares: Non-Finnish European, 0.00025%; no homozygotes.

Submission:

Labcorp Genetics (formerly Invitae), Labcorp
Classification: Uncertain significance for Combined immunodeficiency due to ZAP70 deficiency. Last evaluated: 2022-06-15. Review status: criteria provided, single submitter. Criteria: Invitae Variant Classification Sherloc (09022015). Collection method: clinical testing. Allele origin: germline.
Comment: In summary, the available evidence is currently insufficient to determine the role of this variant in disease. Therefore, it has been classified as a Variant of Uncertain Significance. Algorithms developed to predict the effect of missense changes on protein structure and function are either unavailable or do not agree on the potential impact of this missense change (SIFT: "Not Available"; PolyPhen-2: "Possibly Damaging"; Align-GVGD: "Not Available"). This variant has not been reported in the literature in individuals affected with ZAP70-related conditions. This variant is not present in population databases (gnomAD no frequency). This sequence change replaces proline, which is neutral and non-polar, with leucine, which is neutral and non-polar, at codon 546 of the ZAP70 protein (p.Pro546Leu).

NM_001079.4(ZAP70):c.1637C>T (p.Pro546Leu)

Gene: ZAP70 (zeta chain of T cell receptor associated protein kinase 70; plus strand). Cytogenetic location: 2q11.2.
Variant type: single nucleotide variant.
Coding change: c.1637C>T on transcript NM_001079.4 (MANE Select); coding-DNA position 1637, C replaced by T.
Protein change: p.Pro546Leu; replaces proline 546 with leucine.
Molecular consequence: missense variant.
Genome position (GRCh38, 1-based): chr2:97,738,008, C>T. VCF-style: chr2-97738008-C-T. GRCh37 (hg19) VCF-style: chr2-98354471-C-T.
Other names: c.1637C>T, p.Pro546Leu (NM_001378594.1); c.716C>T, p.Pro239Leu (NM_207519.2); short protein forms P239L, P546L.
Identifiers: ClinVar variation 2007288 (VCV002007288.4), dbSNP rs1369094426, ClinGen allele CA347805129.